The following is an entry in ClinVar:

NM_005732.4(RAD50):c.54G>A (p.Glu18=)

Gene: RAD50 (RAD50 double strand break repair protein; plus strand). Cytogenetic location: 5q31.1.
Variant type: single nucleotide variant.
Coding change: c.54G>A on transcript NM_005732.4 (MANE Select); coding-DNA position 54, G replaced by A.
Protein change: p.Glu18=; no amino-acid change (glutamic acid 18 retained).
Molecular consequence: synonymous variant.
Genome position (GRCh38, 1-based): chr5:132,557,378, G>A. VCF-style: chr5-132557378-G-A. GRCh37 (hg19) VCF-style: chr5-131893070-G-A.
Identifiers: ClinVar variation 484656 (VCV000484656.15), dbSNP rs1554096636, ClinGen allele CA446361470.

ClinVar aggregate classification (germline): Conflicting classifications of pathogenicity. Review status: criteria provided, conflicting classifications (1 of 4 stars). 3 submissions from 3 submitters: Uncertain significance (1); Likely benign (2). Last evaluated 2025-06-24.

Conditions:
Hereditary cancer-predisposing syndrome. Also called: Neoplastic Syndromes, Hereditary; Tumor predisposition; Hereditary Cancer Syndrome; Hereditary neoplastic syndrome. Identifiers: Orphanet 140162, MedGen C0027672, MeSH D009386, MONDO:0015356.

Submissions (3):

Quest Diagnostics Nichols Institute San Juan Capistrano
Classification: Uncertain significance. Last evaluated: 2025-06-24. Review status: criteria provided, single submitter. Criteria: Quest Diagnostics criteria. Collection method: clinical testing. Allele origin: unknown.
Comment: The RAD50 c.54G>A (p.Glu18=) synonymous variant has not been reported in individuals with RAD50-related conditions in the published literature. It also has not been reported in large, multi-ethnic general populations (Genome Aggregation Database). Analysis of this variant using software algorithms for the prediction of the effect of nucleotide changes on splicing yielded predictions that this variant does not affect RAD50 mRNA splicing. Based on the available information, we are unable to determine the clinical significance of this variant.

Labcorp Genetics (formerly Invitae), Labcorp
Classification: Likely benign for Hereditary cancer-predisposing syndrome. Last evaluated: 2024-04-02. Review status: criteria provided, single submitter. Criteria: Invitae Variant Classification Sherloc (09022015). Collection method: clinical testing. Allele origin: germline.

Ambry Genetics
Classification: Likely benign for Hereditary cancer-predisposing syndrome. Last evaluated: 2016-06-29. Review status: criteria provided, single submitter. Criteria: Ambry Variant Classification Scheme 2023. Collection method: clinical testing. Allele origin: germline.

Literature cited by the submitters: PubMed 38577791 (cited by Quest Diagnostics Nichols Institute San Juan Capistrano).